The following is an entry in ClinVar:

NM_203288.2(RP9):c.28G>A (p.Val10Met)

Genes: RP9 (RP9 pre-mRNA splicing factor; minus strand), LOC129998225 (ATAC-STARR-seq lymphoblastoid silent region 18090; plus strand). Cytogenetic location: 7p14.3.
Variant type: single nucleotide variant.
Coding change: c.28G>A on transcript NM_203288.2 (MANE Select); coding-DNA position 28, G replaced by A.
Protein change: p.Val10Met; replaces valine 10 with methionine.
Molecular consequence: missense variant.
Genome position (GRCh38, 1-based): chr7:33,109,345, C>T on the plus strand (G>A on the coding strand, the complement: RP9 is on the minus strand). VCF-style: chr7-33109345-C-T. GRCh37 (hg19) VCF-style: chr7-33148957-C-T.
Other names: short protein forms V10M.
Identifiers: ClinVar variation 3679158 (VCV003679158.2).

ClinVar aggregate classification (germline): Uncertain significance (1 of 4 stars; one submission).

gnomAD v4.1: 1 of 1,443,558 alleles (0.000069%); highest among the groups gnomAD compares: Non-Finnish European, 0.000091%; no homozygotes.

Submission:

Labcorp Genetics (formerly Invitae), Labcorp
Classification: Uncertain significance. Last evaluated: 2024-04-12. Review status: criteria provided, single submitter. Criteria: Invitae Variant Classification Sherloc (09022015). Collection method: clinical testing. Allele origin: germline.
Comment: This sequence change replaces valine, which is neutral and non-polar, with methionine, which is neutral and non-polar, at codon 10 of the RP9 protein (p.Val10Met). This variant is not present in population databases (gnomAD no frequency). This variant has not been reported in the literature in individuals affected with RP9-related conditions. An algorithm developed to predict the effect of missense changes on protein structure and function (PolyPhen-2) suggests that this variant is likely to be tolerated. In summary, the available evidence is currently insufficient to determine the role of this variant in disease. Therefore, it has been classified as a Variant of Uncertain Significance.